The following is an entry in ClinVar:

NM_000455.5(STK11):c.351A>T (p.Leu117Phe)

Gene: STK11 (serine/threonine kinase 11; plus strand). Cytogenetic location: 19p13.3.
Variant type: single nucleotide variant.
Coding change: c.351A>T on transcript NM_000455.5 (MANE Select); coding-DNA position 351, A replaced by T.
Protein change: p.Leu117Phe; replaces leucine 117 with phenylalanine.
Molecular consequence: missense variant.
Genome position (GRCh38, 1-based): chr19:1,218,477, A>T. VCF-style: chr19-1218477-A-T. GRCh37 (hg19) VCF-style: chr19-1218476-A-T.
Other names: short protein forms L117F.
Identifiers: ClinVar variation 834638 (VCV000834638.11), dbSNP rs2080758837, ClinGen allele CA402947824.

ClinVar aggregate classification (germline): Uncertain significance. Review status: criteria provided, multiple submitters, no conflicts (2 of 4 stars). 4 submissions from 4 submitters: Uncertain significance (4). Last evaluated 2026-05-30.

Conditions:
Hereditary cancer-predisposing syndrome. Also called: Tumor predisposition; Neoplastic Syndromes, Hereditary; Hereditary neoplastic syndrome; Hereditary Cancer Syndrome. Identifiers: Orphanet 140162, MedGen C0027672, MeSH D009386, MONDO:0015356.
Peutz-Jeghers syndrome (PJS). Also called: POLYPOSIS, HAMARTOMATOUS INTESTINAL; POLYPS-AND-SPOTS SYNDROME; Peutz-Jeghers polyposis; Periorificial lentiginosis syndrome. Identifiers: Orphanet 2869, MedGen C0031269, MeSH D010580, MONDO:0008280, OMIM 175200.

Allele frequency attached by ClinVar (database versions not stated): gnomAD exomes below 0.00001.
gnomAD v4.1: 1 of 1,613,636 alleles (0.000062%); highest among the groups gnomAD compares: Non-Finnish European, 0.000085%; no homozygotes.

Submissions (4):

Ambry Genetics
Classification: Uncertain significance for Hereditary cancer-predisposing syndrome. Last evaluated: 2026-05-30. Review status: criteria provided, single submitter. Criteria: Ambry Variant Classification Scheme 2023. Collection method: clinical testing. Allele origin: germline.
Comment: The p.L117F variant (also known as c.351A>T), located in coding exon 2 of the STK11 gene, results from an A to T substitution at nucleotide position 351. The leucine at codon 117 is replaced by phenylalanine, an amino acid with highly similar properties. This amino acid position is conserved. In addition, this alteration is predicted to be tolerated by in silico analysis. Based on the available evidence, the clinical significance of this variant remains unclear.

Labcorp Genetics (formerly Invitae), Labcorp
Classification: Uncertain significance for Peutz-Jeghers syndrome. Last evaluated: 2025-09-27. Review status: criteria provided, single submitter. Criteria: Invitae Variant Classification Sherloc (09022015). Collection method: clinical testing. Allele origin: germline.
Comment: This sequence change replaces leucine, which is neutral and non-polar, with phenylalanine, which is neutral and non-polar, at codon 117 of the STK11 protein (p.Leu117Phe). This variant is not present in population databases (gnomAD no frequency). This variant has not been reported in the literature in individuals affected with STK11-related conditions. ClinVar contains an entry for this variant (Variation ID: 834638). Invitae Evidence Modeling of protein sequence and biophysical properties (such as structural, functional, and spatial information, amino acid conservation, physicochemical variation, residue mobility, and thermodynamic stability) indicates that this missense variant is not expected to disrupt STK11 protein function with a negative predictive value of 95%. In summary, the available evidence is currently insufficient to determine the role of this variant in disease. Therefore, it has been classified as a Variant of Uncertain Significance.

Color Diagnostics, LLC DBA Color Health
Classification: Uncertain significance for Hereditary cancer-predisposing syndrome. Last evaluated: 2025-09-08. Review status: criteria provided, single submitter. Criteria: ACMG Guidelines, 2015. Collection method: clinical testing. Allele origin: germline.
Comment: This missense variant replaces leucine with phenylalanine at codon 117 of the STK11 protein. Computational prediction suggests that this variant may not impact protein structure and function. To our knowledge, functional studies have not been reported for this variant. This variant has not been reported in individuals affected with STK11-related disorders in the literature. This variant has not been identified in the general population by the Genome Aggregation Database (gnomAD). The available evidence is insufficient to determine the role of this variant in disease conclusively. Therefore, this variant is classified as a Variant of Uncertain Significance.

All of Us Research Program, National Institutes of Health
Classification: Uncertain significance for Peutz-Jeghers syndrome. Last evaluated: 2023-08-15. Review status: criteria provided, single submitter. Criteria: ACMG Guidelines, 2015. Collection method: clinical testing. Allele origin: germline. Inheritance: Autosomal dominant inheritance. Observed: 1 variant allele, 1 heterozygote.
Comment: This study involves interpretation of variants in research participants for the purpose of population health screening. Participant phenotype was not available at the time of variant classification. Additional details can be found in publication PMID: 35346344, PMCID: PMC8962531